The following is an entry in ClinVar:

NM_000465.4(BARD1):c.2227T>C (p.Cys743Arg)

Gene: BARD1 (BRCA1 associated RING domain 1; minus strand). Cytogenetic location: 2q35.
Variant type: single nucleotide variant.
Coding change: c.2227T>C on transcript NM_000465.4 (MANE Select); coding-DNA position 2227, T replaced by C.
Protein change: p.Cys743Arg; replaces cysteine 743 with arginine.
Molecular consequence: missense variant. On other transcripts: non-coding transcript variant (3).
Genome position (GRCh38, 1-based): chr2:214,728,783, A>G on the plus strand (T>C on the coding strand, the complement: BARD1 is on the minus strand). VCF-style: chr2-214728783-A-G. GRCh37 (hg19) VCF-style: chr2-215593507-A-G.
Other names: c.2170T>C, p.Cys724Arg (NM_001282543.2); c.874T>C, p.Cys292Arg (NM_001282545.2); c.817T>C, p.Cys273Arg (NM_001282548.2); c.688T>C, p.Cys230Arg (NM_001282549.2); short protein forms C743R, C724R, C230R, C292R, C273R.
Identifiers: ClinVar variation 460739 (VCV000460739.14), dbSNP rs1553612082, ClinGen allele CA350450103.

ClinVar aggregate classification (germline): Conflicting classifications of pathogenicity. Review status: criteria provided, conflicting classifications (1 of 4 stars). 2 submissions from 2 submitters: Uncertain significance (1); Likely benign (1). Last evaluated 2025-08-30.

Conditions:
Familial cancer of breast. Also called: BREAST CANCER, FAMILIAL; hereditary breast carcinoma; Hereditary breast cancer. Identifiers: Orphanet 227535, MedGen C0346153, MONDO:0016419, OMIM 114480. Disease mechanism: loss of function.
Hereditary cancer-predisposing syndrome. Also called: Neoplastic Syndromes, Hereditary; Tumor predisposition; Hereditary Cancer Syndrome; Hereditary neoplastic syndrome. Identifiers: Orphanet 140162, MedGen C0027672, MeSH D009386, MONDO:0015356.

Allele frequency attached by ClinVar (database versions not stated): TOPMed below 0.00001.

Submissions (2):

Labcorp Genetics (formerly Invitae), Labcorp
Classification: Uncertain significance for Familial cancer of breast. Last evaluated: 2025-08-30. Review status: criteria provided, single submitter. Criteria: Invitae Variant Classification Sherloc (09022015). Collection method: clinical testing. Allele origin: germline.
Comment: This sequence change replaces cysteine, which is neutral and slightly polar, with arginine, which is basic and polar, at codon 743 of the BARD1 protein (p.Cys743Arg). This variant is not present in population databases (gnomAD no frequency). This variant has not been reported in the literature in individuals affected with BARD1-related conditions. ClinVar contains an entry for this variant (Variation ID: 460739). An algorithm developed to predict the effect of missense changes on protein structure and function (PolyPhen-2) suggests that this variant is likely to be tolerated. In summary, the available evidence is currently insufficient to determine the role of this variant in disease. Therefore, it has been classified as a Variant of Uncertain Significance.

Ambry Genetics
Classification: Likely benign for Hereditary cancer-predisposing syndrome. Last evaluated: 2024-02-26. Review status: criteria provided, single submitter. Criteria: Ambry Variant Classification Scheme 2023. Collection method: clinical testing. Allele origin: germline.